The following is an entry in ClinVar:

NM_000466.3(PEX1):c.129+9C>T

Gene: PEX1 (peroxisomal biogenesis factor 1; minus strand). Cytogenetic location: 7q21.2.
Variant type: single nucleotide variant.
Coding change: c.129+9C>T on transcript NM_000466.3 (MANE Select); 9 bases into the intron after coding-DNA position 129, C replaced by T.
Molecular consequence: intron variant.
Genome position (GRCh38, 1-based): chr7:92,528,298, G>A on the plus strand (C>T on the coding strand, the complement: PEX1 is on the minus strand). VCF-style: chr7-92528298-G-A. GRCh37 (hg19) VCF-style: chr7-92157612-G-A.
Other names: c.129+9C>T (NM_000466.2, NM_001282677.2); c.-531+9C>T (NM_001282678.2).
Identifiers: ClinVar variation 1131794 (VCV001131794.11), dbSNP rs761519653, ClinGen allele CA4341690.

ClinVar aggregate classification (germline): Likely benign. Review status: criteria provided, multiple submitters, no conflicts (2 of 4 stars). 3 submissions from 3 submitters: Likely benign (3). Last evaluated 2026-08-20.

Conditions:
PEX1-related disorder. Also called: PEX1-related condition.
Zellweger spectrum disorders (ZS). Also called: Zellweger syndrome; Zellweger Spectrum Disorder; Zellweger Spectrum; Zellweger Spectrum Disorder (ZSD). Identifiers: Orphanet 912, MedGen C0043459, MONDO:0019609.

Allele frequency attached by ClinVar (database versions not stated): gnomAD 0.00001; gnomAD exomes 0.00001; TOPMed 0.00002.
gnomAD v4.1: 9 of 1,553,530 alleles (0.00058%); highest among the groups gnomAD compares: Admixed American, 0.0019%; no homozygotes.

Submissions (3):

PreventionGenetics, part of Exact Sciences
Classification: Likely benign for PEX1-related condition. Last evaluated: 2026-08-20. Review status: criteria provided, single submitter. Criteria: ACMG Guidelines, 2015. Collection method: clinical testing. Allele origin: germline.
Comment: This variant is classified as likely benign based on ACMG/AMP sequence variant interpretation guidelines (Richards et al. 2015 PMID: 25741868, with internal and published modifications).

Labcorp Genetics (formerly Invitae), Labcorp
Classification: Likely benign for Zellweger spectrum disorders. Last evaluated: 2024-03-26. Review status: criteria provided, single submitter. Criteria: Invitae Variant Classification Sherloc (09022015). Collection method: clinical testing. Allele origin: germline.

Blueprint Genetics
Classification: Likely benign. Last evaluated: 2022-06-08. Review status: criteria provided, single submitter. Criteria: ACMG Guidelines, 2015. Collection method: clinical testing. Allele origin: germline.